The following is an entry in ClinVar:

ClinVar aggregate classification (germline): Uncertain significance (1 of 4 stars; one submission).

Conditions:
Hereditary cancer-predisposing syndrome. Also called: Neoplastic Syndromes, Hereditary; Tumor predisposition; Hereditary Cancer Syndrome; Hereditary neoplastic syndrome. Identifiers: Orphanet 140162, MedGen C0027672, MeSH D009386, MONDO:0015356.

Submission:

Ambry Genetics
Classification: Uncertain significance for Hereditary cancer-predisposing syndrome. Last evaluated: 2025-11-17. Review status: criteria provided, single submitter. Criteria: Ambry Variant Classification Scheme 2023. Collection method: clinical testing. Allele origin: germline.
Comment: The c.131_148dup18 variant (also known as p.S44_N49dup), located in coding exon 2 of the CTNNA1 gene, results from an in-frame duplication of 18 nucleotides at nucleotide positions 131 to 148. This results in the duplication of 6 extra residues (SKGPSN) between codons 44 and 49. This amino acid position is highly conserved in available vertebrate species. In addition, the in silico prediction for this variant is inconclusive (Choi Y et al. PLoS ONE. 2012; 7(10):e46688). Based on the available evidence, the clinical significance of this variant remains unclear.

NM_001903.5(CTNNA1):c.131_148dup (p.Asn49_Lys50insSerLysGlyProSerAsn)

Gene: CTNNA1 (catenin alpha 1; plus strand). Cytogenetic location: 5q31.2.
Variant type: Duplication.
Coding change: c.131_148dup on transcript NM_001903.5 (MANE Select); coding-DNA positions 131 to 148, 18 bases duplicated (GTAAAGGGCCCTCTAATA).
Protein change: p.Asn49_Lys50insSerLysGlyProSerAsn.
Molecular consequence: inframe insertion. On other transcripts: 5 prime UTR variant (1), intron variant (1).
Genome position (GRCh38, 1-based): chr5:138,783,202-138,783,219, GTAAAGGGCCCTCTAATA duplicated; duplicating any 18 consecutive bases within chr5:138,783,198-138,783,219 gives the same sequence; the c. name uses the placement nearest the transcript's 3' end. VCF-style (leftmost placement, unchanged base first): chr5-138783197-C-CAATAGTAAAGGGCCCTCT. GRCh37 (hg19) VCF-style: chr5-138118886-C-CAATAGTAAAGGGCCCTCT.
Other names: c.131_148dup, p.Asn49_Lys50insSerLysGlyProSerAsn (NM_001290307.3, NM_001323982.2, NM_001323983.1 and 3 more transcripts); c.-76_-59dup (NM_001290310.3); c.-9+1173_-9+1190dup (NM_001290309.3).
Identifiers: ClinVar variation 4635537 (VCV004635537.1).